The following is an entry in ClinVar:

ClinVar aggregate classification (germline): Uncertain significance (1 of 4 stars; one submission).

Submission:

CeGaT Center for Human Genetics Tuebingen
Classification: Uncertain significance. Last evaluated: 2025-08-01. Review status: criteria provided, single submitter. Criteria: CeGaT Center For Human Genetics Tuebingen Variant Classification Criteria Version 2. Collection method: clinical testing. Allele origin: germline. Affected: yes. Observed: 1 variant allele.
Comment: BCOR: PM2, BP4

NM_001123385.2(BCOR):c.3319G>A (p.Val1107Met)

Gene: BCOR (BCL6 corepressor; minus strand). Cytogenetic location: Xp11.4.
Variant type: single nucleotide variant.
Coding change: c.3319G>A on transcript NM_001123385.2 (MANE Select); coding-DNA position 3319, G replaced by A.
Protein change: p.Val1107Met; replaces valine 1107 with methionine.
Molecular consequence: missense variant.
Genome position (GRCh38, 1-based): chrX:40,064,519, C>T on the plus strand (G>A on the coding strand, the complement: BCOR is on the minus strand). VCF-style: chrX-40064519-C-T. GRCh37 (hg19) VCF-style: chrX-39923772-C-T.
Other names: c.3319G>A, p.Val1107Met (NM_001123383.2, NM_001437510.1, NM_001437511.1 and 2 more transcripts); c.3265G>A, p.Val1089Met (NM_001123384.2, NM_001438207.1); short protein forms V1089M, V1107M.
Identifiers: ClinVar variation 4085980 (VCV004085980.8).